The following is an entry in ClinVar:

NM_001048174.2(MUTYH):c.1150T>A (p.Ser384Thr)

Gene: MUTYH (mutY DNA glycosylase; minus strand). Cytogenetic location: 1p34.1.
Variant type: single nucleotide variant.
Coding change: c.1150T>A on transcript NM_001048174.2 (MANE Select); coding-DNA position 1150, T replaced by A.
Protein change: p.Ser384Thr; replaces serine 384 with threonine.
Molecular consequence: missense variant. On other transcripts: non-coding transcript variant (7).
Genome position (GRCh38, 1-based): chr1:45,331,509, A>T on the plus strand (T>A on the coding strand, the complement: MUTYH is on the minus strand). VCF-style: chr1-45331509-A-T. GRCh37 (hg19) VCF-style: chr1-45797181-A-T.
Other names: c.1183T>A, p.Ser395Thr (NM_001293191.2, NM_001407069.1, NM_001407077.1); c.874T>A, p.Ser292Thr (NM_001293192.2, NM_001293196.2, NM_001407091.1); c.1150T>A, p.Ser384Thr (NM_001293195.2, NM_001407070.1, NM_001407088.1 and 6 more transcripts); c.805T>A, p.Ser269Thr (NM_001350650.2, NM_001350651.2, NM_001407082.1); c.1153T>A, p.Ser385Thr (NM_001407071.1, NM_001407086.1, NM_001048172.2 and 1 more transcripts); c.1192T>A, p.Ser398Thr (NM_001407085.1, NM_001407083.1); c.1171T>A, p.Ser391Thr (NM_001407087.1); c.1225T>A, p.Ser409Thr (NM_012222.3); and 5 more; short protein forms S370T, S391T, S398T, S409T, S412T, S269T, S385T, S292T.
Identifiers: ClinVar variation 4113112 (VCV004113112.1).

ClinVar aggregate classification (germline): Uncertain significance (1 of 4 stars; one submission).

Conditions:
Hereditary cancer-predisposing syndrome. Also called: Tumor predisposition; Neoplastic Syndromes, Hereditary; Hereditary neoplastic syndrome; Hereditary Cancer Syndrome. Identifiers: Orphanet 140162, MedGen C0027672, MeSH D009386, MONDO:0015356.

Submission:

Ambry Genetics
Classification: Uncertain significance for Hereditary cancer-predisposing syndrome. Last evaluated: 2025-08-27. Review status: criteria provided, single submitter. Criteria: Ambry Variant Classification Scheme 2023. Collection method: clinical testing. Allele origin: germline.
Comment: The p.S412T variant (also known as c.1234T>A), located in coding exon 13 of the MUTYH gene, results from a T to A substitution at nucleotide position 1234. The serine at codon 412 is replaced by threonine, an amino acid with similar properties. This amino acid position is conserved. In addition, this alteration is predicted to be tolerated by in silico analysis. Based on the available evidence, the clinical significance of this variant remains unclear.